The following is an entry in ClinVar:

ClinVar aggregate classification (germline): Uncertain significance (1 of 4 stars; one submission).

Allele frequency attached by ClinVar (database versions not stated): gnomAD exomes below 0.00001.
gnomAD v4.1: 5 of 1,614,076 alleles (0.00031%); highest among the groups gnomAD compares: Non-Finnish European, 0.00042%; no homozygotes.

Submission:

Labcorp Genetics (formerly Invitae), Labcorp
Classification: Uncertain significance. Last evaluated: 2022-08-19. Review status: criteria provided, single submitter. Criteria: Invitae Variant Classification Sherloc (09022015). Collection method: clinical testing. Allele origin: germline.
Comment: This sequence change replaces valine, which is neutral and non-polar, with alanine, which is neutral and non-polar, at codon 466 of the LRP2 protein (p.Val466Ala). This variant is not present in population databases (gnomAD no frequency). This variant has not been reported in the literature in individuals affected with LRP2-related conditions. ClinVar contains an entry for this variant (Variation ID: 834566). Algorithms developed to predict the effect of missense changes on protein structure and function are either unavailable or do not agree on the potential impact of this missense change (SIFT: "Tolerated"; PolyPhen-2: "Possibly Damaging"; Align-GVGD: "Class C0"). In summary, the available evidence is currently insufficient to determine the role of this variant in disease. Therefore, it has been classified as a Variant of Uncertain Significance.

NM_004525.3(LRP2):c.1397T>C (p.Val466Ala)

Gene: LRP2 (LDL receptor related protein 2; minus strand). Cytogenetic location: 2q31.1.
Variant type: single nucleotide variant.
Coding change: c.1397T>C on transcript NM_004525.3 (MANE Select); coding-DNA position 1397, T replaced by C.
Protein change: p.Val466Ala; replaces valine 466 with alanine.
Molecular consequence: missense variant.
Genome position (GRCh38, 1-based): chr2:169,279,540, A>G on the plus strand (T>C on the coding strand, the complement: LRP2 is on the minus strand). VCF-style: chr2-169279540-A-G. GRCh37 (hg19) VCF-style: chr2-170136050-A-G.
Other names: short protein forms V466A.
Identifiers: ClinVar variation 834566 (VCV000834566.7), dbSNP rs1683643576, ClinGen allele CA349149075.